The following is an entry in ClinVar:

ClinVar aggregate classification (germline): Uncertain significance. Review status: criteria provided, multiple submitters, no conflicts (2 of 4 stars). 2 submissions from 2 submitters: Uncertain significance (2). Last evaluated 2025-10-21.

Conditions:
Inborn genetic diseases. Identifiers: MedGen C0950123, MeSH D030342.

gnomAD v4.1: 12 of 1,613,512 alleles (0.00074%); highest among the groups gnomAD compares: East Asian, 0.0022%; no homozygotes.

Submissions (2):

Ambry Genetics
Classification: Uncertain significance for Inborn genetic diseases. Last evaluated: 2025-10-21. Review status: criteria provided, single submitter. Criteria: Ambry Variant Classification Scheme 2023. Collection method: clinical testing. Allele origin: germline.

Greenwood Genetic Center Diagnostic Laboratories, Greenwood Genetic Center
Classification: Uncertain significance. Last evaluated: 2022-01-19. Review status: criteria provided, single submitter. Criteria: ACMG Guidelines, 2015. Collection method: clinical testing. Allele origin: germline. Affected: yes.
Comment: PM2

NM_001162501.2(TNRC6B):c.4663G>A (p.Val1555Ile)

Gene: TNRC6B (trinucleotide repeat containing adaptor 6B; plus strand). Cytogenetic location: 22q13.1.
Variant type: single nucleotide variant.
Coding change: c.4663G>A on transcript NM_001162501.2 (MANE Select); coding-DNA position 4663, G replaced by A.
Protein change: p.Val1555Ile; replaces valine 1555 with isoleucine.
Molecular consequence: missense variant.
Genome position (GRCh38, 1-based): chr22:40,312,982, G>A. VCF-style: chr22-40312982-G-A. GRCh37 (hg19) VCF-style: chr22-40708986-G-A.
Other names: c.2251G>A, p.Val751Ile (NM_001024843.2); c.4333G>A, p.Val1445Ile (NM_015088.3); c.4663G>A (NM_001162501.1); short protein forms V1445I, V1555I, V751I.
Identifiers: ClinVar variation 1676532 (VCV001676532.4), dbSNP rs1466157006, ClinGen allele CA411668302.